The following is an entry in ClinVar:

ClinVar aggregate classification (germline): Uncertain significance (1 of 4 stars; one submission).

Conditions:
Autoimmune interstitial lung disease-arthritis syndrome. Also called: Autoinflammation and autoimmunity, systemic, with immune dysregulation. Identifiers: Orphanet 444092, MedGen C5975714, MONDO:0014629.

Allele frequency attached by ClinVar (database versions not stated): gnomAD exomes below 0.00001 and 0.00001; gnomAD 0.00001; TOPMed 0.00002.
gnomAD v4.1: 20 of 1,613,978 alleles (0.0012%); highest among the groups gnomAD compares: African/African-American, 0.0027%; no homozygotes.

Submission:

Labcorp Genetics (formerly Invitae), Labcorp
Classification: Uncertain significance for Autoimmune interstitial lung disease-arthritis syndrome. Last evaluated: 2024-02-25. Review status: criteria provided, single submitter. Criteria: Invitae Variant Classification Sherloc (09022015). Collection method: clinical testing. Allele origin: germline.
Comment: This sequence change replaces arginine, which is basic and polar, with cysteine, which is neutral and slightly polar, at codon 648 of the COPA protein (p.Arg648Cys). This variant is present in population databases (no rsID available, gnomAD 0.0009%). This variant has not been reported in the literature in individuals affected with COPA-related conditions. ClinVar contains an entry for this variant (Variation ID: 1445365). Advanced modeling of protein sequence and biophysical properties (such as structural, functional, and spatial information, amino acid conservation, physicochemical variation, residue mobility, and thermodynamic stability) performed at Invitae indicates that this missense variant is expected to disrupt COPA protein function with a positive predictive value of 80%. Algorithms developed to predict the effect of sequence changes on RNA splicing suggest that this variant may disrupt the consensus splice site. In summary, the available evidence is currently insufficient to determine the role of this variant in disease. Therefore, it has been classified as a Variant of Uncertain Significance.

NM_004371.4(COPA):c.1942C>T (p.Arg648Cys)

Gene: COPA (coat protein complex I subunit alpha; minus strand). Cytogenetic location: 1q23.2.
Variant type: single nucleotide variant.
Coding change: c.1942C>T on transcript NM_004371.4 (MANE Select); coding-DNA position 1942, C replaced by T.
Protein change: p.Arg648Cys; replaces arginine 648 with cysteine.
Molecular consequence: missense variant.
Genome position (GRCh38, 1-based): chr1:160,298,880, G>A on the plus strand (C>T on the coding strand, the complement: COPA is on the minus strand). VCF-style: chr1-160298880-G-A. GRCh37 (hg19) VCF-style: chr1-160268670-G-A.
Other names: c.1969C>T, p.Arg657Cys (NM_001098398.2); short protein forms R648C, R657C.
Identifiers: ClinVar variation 1445365 (VCV001445365.8), dbSNP rs1049665620, ClinGen allele CA31536938.